The following is an entry in ClinVar:

ClinVar aggregate classification (germline): Likely benign. Review status: criteria provided, multiple submitters, no conflicts (2 of 4 stars). 2 submissions from 2 submitters: Likely benign (2). Last evaluated 2026-07-15.

Conditions:
NBAS-related disorder. Also called: NBAS-related condition.

Allele frequency attached by ClinVar (database versions not stated): gnomAD exomes below 0.00001 and 0.00002; ExAC 0.00003; TOPMed 0.00007; gnomAD 0.00011.
gnomAD v4.1: 23 of 1,612,614 alleles (0.0014%); highest among the groups gnomAD compares: African/African-American, 0.029%; no homozygotes.

Submissions (2):

PreventionGenetics, part of Exact Sciences
Classification: Likely benign for NBAS-related condition. Last evaluated: 2026-07-15. Review status: criteria provided, single submitter. Criteria: ACMG Guidelines, 2015. Collection method: clinical testing. Allele origin: germline.
Comment: This variant is classified as likely benign based on ACMG/AMP sequence variant interpretation guidelines (Richards et al. 2015 PMID: 25741868, with internal and published modifications).

Labcorp Genetics (formerly Invitae), Labcorp
Classification: Likely benign. Last evaluated: 2024-10-30. Review status: criteria provided, single submitter. Criteria: Invitae Variant Classification Sherloc (09022015). Collection method: clinical testing. Allele origin: germline.

NM_015909.4(NBAS):c.900G>A (p.Leu300=)

Gene: NBAS (NBAS subunit of NRZ tethering complex; minus strand). Cytogenetic location: 2p24.3.
Variant type: single nucleotide variant.
Coding change: c.900G>A on transcript NM_015909.4 (MANE Select); coding-DNA position 900, G replaced by A.
Protein change: p.Leu300=; no amino-acid change (leucine 300 retained).
Molecular consequence: synonymous variant. On other transcripts: non-coding transcript variant (1).
Genome position (GRCh38, 1-based): chr2:15,504,199, C>T on the plus strand (G>A on the coding strand, the complement: NBAS is on the minus strand). VCF-style: chr2-15504199-C-T. GRCh37 (hg19) VCF-style: chr2-15644323-C-T.
Other names: c.900G>A (NM_015909.3).
Identifiers: ClinVar variation 1592608 (VCV001592608.9), dbSNP rs775052161, ClinGen allele CA1536866.